The following is an entry in ClinVar:

NM_201384.3(PLEC):c.382G>A (p.Gly128Ser)

Gene: PLEC (plectin; minus strand). Cytogenetic location: 8q24.3.
Variant type: single nucleotide variant.
Coding change: c.382G>A on transcript NM_201384.3 (MANE Select); coding-DNA position 382, G replaced by A.
Protein change: p.Gly128Ser; replaces glycine 128 with serine.
Molecular consequence: missense variant.
Genome position (GRCh38, 1-based): chr8:143,937,032, C>T on the plus strand (G>A on the coding strand, the complement: PLEC is on the minus strand). VCF-style: chr8-143937032-C-T. GRCh37 (hg19) VCF-style: chr8-145011200-C-T.
Other names: c.463G>A (NM_000445.3); c.463G>A, p.Gly155Ser (NM_000445.5); c.340G>A, p.Gly114Ser (NM_201378.4); c.316G>A, p.Gly106Ser (NM_201379.3); c.793G>A, p.Gly265Ser (NM_201380.4); c.286G>A, p.Gly96Ser (NM_201381.3); c.382G>A, p.Gly128Ser (NM_201382.4); c.394G>A, p.Gly132Ser (NM_201383.3); short protein forms G106S, G265S, G128S, G155S, G132S, G96S, G114S.
Identifiers: ClinVar variation 1047678 (VCV001047678.9), dbSNP rs1309847765, ClinGen allele CA372590738.

ClinVar aggregate classification (germline): Uncertain significance. Review status: criteria provided, multiple submitters, no conflicts (2 of 4 stars). 3 submissions from 3 submitters: Uncertain significance (3). Last evaluated 2025-11-03.

Conditions:
Epidermolysis bullosa simplex 5B, with muscular dystrophy (EBS5B). Also called: EPIDERMOLYSIS BULLOSA SIMPLEX AND LIMB-GIRDLE MUSCULAR DYSTROPHY; Epidermolysis bullosa simplex with muscular dystrophy. Identifiers: Orphanet 257, MedGen C2931072, MONDO:0009181, OMIM 226670.
Epidermolysis bullosa simplex 5C, with pyloric atresia (EBS5C). Also called: Epidermolysis bullosa simplex with pyloric atresia; PLEC-Related Epidermolysis Bullosa with Pyloric Atresia; PLEC1-Related Epidermolysis Bullosa with Pyloric Atresia. Identifiers: Orphanet 158684, MedGen C2677349, MONDO:0012807, OMIM 612138.
Autosomal recessive limb-girdle muscular dystrophy type 2Q (LGMDR17). Also called: MUSCULAR DYSTROPHY, LIMB-GIRDLE, AUTOSOMAL RECESSIVE 17. Identifiers: Orphanet 254361, MedGen C3150989, MONDO:0013390, OMIM 613723.
Epidermolysis bullosa simplex with nail dystrophy (EBS5D). Identifiers: MedGen C4225309, MONDO:0014661, OMIM 616487.
Epidermolysis bullosa simplex, Ogna type (EBS5A). Also called: Pidermolysis bullosa simplex 5A, Ogna type; EPIDERMOLYSIS BULLOSA SIMPLEX 5A, OGNA TYPE. Identifiers: Orphanet 79401, MedGen C0432317, MONDO:0007555, OMIM 131950.
Inborn genetic diseases. Identifiers: MedGen C0950123, MeSH D030342.

Allele frequency attached by ClinVar (database versions not stated): gnomAD exomes 0.00001; TOPMed 0.00001; gnomAD 0.00002.
gnomAD v4.1: 13 of 1,612,992 alleles (0.00081%); highest among the groups gnomAD compares: Admixed American, 0.0017%; no homozygotes.

Submissions (3):

Labcorp Genetics (formerly Invitae), Labcorp
Classification: Uncertain significance for Autosomal recessive limb-girdle muscular dystrophy type 2Q; Epidermolysis bullosa simplex, Ogna type; Epidermolysis bullosa simplex with nail dystrophy; Epidermolysis bullosa simplex 5C, with pyloric atresia; Epidermolysis bullosa simplex 5B, with muscular dystrophy. Last evaluated: 2025-11-03. Review status: criteria provided, single submitter. Criteria: Invitae Variant Classification Sherloc (09022015). Collection method: clinical testing. Allele origin: germline.
Comment: This sequence change replaces glycine, which is neutral and non-polar, with serine, which is neutral and polar, at codon 155 of the PLEC protein (p.Gly155Ser). This variant is present in population databases (no rsID available, gnomAD 0.004%). This variant has not been reported in the literature in individuals affected with PLEC-related conditions. ClinVar contains an entry for this variant (Variation ID: 1047678). Invitae Evidence Modeling of protein sequence and biophysical properties (such as structural, functional, and spatial information, amino acid conservation, physicochemical variation, residue mobility, and thermodynamic stability) indicates that this missense variant is expected to disrupt PLEC protein function with a positive predictive value of 80%. In summary, the available evidence is currently insufficient to determine the role of this variant in disease. Therefore, it has been classified as a Variant of Uncertain Significance.

Ambry Genetics
Classification: Uncertain significance for Inborn genetic diseases. Last evaluated: 2024-09-10. Review status: criteria provided, single submitter. Criteria: Ambry Variant Classification Scheme 2023. Collection method: clinical testing. Allele origin: germline.

Revvity Omics, Revvity
Classification: Uncertain significance. Last evaluated: 2019-11-19. Review status: criteria provided, single submitter. Criteria: ACMG Guidelines, 2015. Collection method: clinical testing. Allele origin: germline.